The following is an entry in ClinVar:

NM_006904.7(PRKDC):c.7786C>T (p.Arg2596Cys)

Gene: PRKDC (protein kinase, DNA-activated, catalytic subunit; minus strand). Cytogenetic location: 8q11.21.
Variant type: single nucleotide variant.
Coding change: c.7786C>T on transcript NM_006904.7 (MANE Select); coding-DNA position 7786, C replaced by T.
Protein change: p.Arg2596Cys; replaces arginine 2596 with cysteine.
Molecular consequence: missense variant.
Genome position (GRCh38, 1-based): chr8:47,836,503, G>A on the plus strand (C>T on the coding strand, the complement: PRKDC is on the minus strand). VCF-style: chr8-47836503-G-A. GRCh37 (hg19) VCF-style: chr8-48749064-G-A.
Other names: c.7786C>T, p.Arg2596Cys (NM_001081640.2); short protein forms R2596C.
Identifiers: ClinVar variation 1206027 (VCV001206027.3), dbSNP rs756717665, ClinGen allele CA4740017.

ClinVar aggregate classification (germline): Uncertain significance. Review status: criteria provided, single submitter (1 of 4 stars). 3 submissions from 3 submitters: Uncertain significance (1). 2 of the submissions do not count toward it. Last evaluated 2025-10-10.

Conditions:
Severe combined immunodeficiency due to DNA-PKcs deficiency. Also called: IMMUNODEFICIENCY 26 WITH NEUROLOGIC ABNORMALITIES; Immunodeficiency 26 with or without neurologic abnormalities. Identifiers: Orphanet 317425, MedGen C4014833, MONDO:0014423, OMIM 615966.

Allele frequency attached by ClinVar (database versions not stated): gnomAD 0.00001; TOPMed 0.00001; ExAC 0.00003.
gnomAD v4.1: 12 of 1,604,252 alleles (0.00075%); highest among the groups gnomAD compares: Non-Finnish European, 0.00094%; no homozygotes.

Submissions (3):

Labcorp Genetics (formerly Invitae), Labcorp
Classification: Uncertain significance for Severe combined immunodeficiency due to DNA-PKcs deficiency. Last evaluated: 2025-10-10. Review status: criteria provided, single submitter. Criteria: Invitae Variant Classification Sherloc (09022015). Collection method: clinical testing. Allele origin: germline.
Comment: This sequence change replaces arginine, which is basic and polar, with cysteine, which is neutral and slightly polar, at codon 2596 of the PRKDC protein (p.Arg2596Cys). The frequency data for this variant in the population databases is considered unreliable, as metrics indicate poor data quality at this position in the gnomAD database. This variant has not been reported in the literature in individuals affected with PRKDC-related conditions. ClinVar contains an entry for this variant (Variation ID: 1206027). Invitae Evidence Modeling of protein sequence and biophysical properties (such as structural, functional, and spatial information, amino acid conservation, physicochemical variation, residue mobility, and thermodynamic stability) indicates that this missense variant is expected to disrupt PRKDC protein function with a positive predictive value of 80%. In summary, the available evidence is currently insufficient to determine the role of this variant in disease. Therefore, it has been classified as a Variant of Uncertain Significance.

Clinical Genetics DNA and cytogenetics Diagnostics Lab, Erasmus MC, Erasmus Medical Center
Classification: Uncertain significance. Review status: no assertion criteria provided. Collection method: clinical testing. Allele origin: germline. Affected: yes. Study: VKGL Data-share Consensus. Not counted in ClinVar's aggregate classification.

Laboratory of Diagnostic Genome Analysis, Leiden University Medical Center (LUMC)
Classification: Uncertain significance. Review status: no assertion criteria provided. Collection method: clinical testing. Allele origin: germline. Affected: yes. Study: VKGL Data-share Consensus. Not counted in ClinVar's aggregate classification.